The following is an entry in ClinVar:

NM_182961.4(SYNE1):c.12217A>G (p.Ile4073Val)

Gene: SYNE1 (spectrin repeat containing nuclear envelope protein 1; minus strand). Cytogenetic location: 6q25.2.
Variant type: single nucleotide variant.
Coding change: c.12217A>G on transcript NM_182961.4 (MANE Select); coding-DNA position 12217, A replaced by G.
Protein change: p.Ile4073Val; replaces isoleucine 4073 with valine.
Molecular consequence: missense variant.
Genome position (GRCh38, 1-based): chr6:152,344,089, T>C on the plus strand (A>G on the coding strand, the complement: SYNE1 is on the minus strand). VCF-style: chr6-152344089-T-C. GRCh37 (hg19) VCF-style: chr6-152665224-T-C.
Other names: c.12004A>G, p.Ile4002Val (NM_033071.5); c.12217A>G (NM_182961.2); short protein forms I4002V, I4073V.
Identifiers: ClinVar variation 289352 (VCV000289352.13), dbSNP rs886044158, ClinGen allele CA10606419.

ClinVar aggregate classification (germline): Uncertain significance. Review status: criteria provided, multiple submitters, no conflicts (2 of 4 stars). 3 submissions from 3 submitters: Uncertain significance (3). Last evaluated 2023-02-01.

Conditions:
Autosomal recessive ataxia, Beauce type. Also called: Spinocerebellar ataxia, autosomal recessive 8; ATAXIA, RECESSIVE, OF BEAUCE; SYNE1 Deficiency; SYNE1-Related Autosomal Recessive Cerebellar Ataxia. Identifiers: Orphanet 88644, MedGen C1853116, MONDO:0012549, OMIM 610743.
Emery-Dreifuss muscular dystrophy 4, autosomal dominant (EDMD4). Also called: EMERY-DREIFUSS MUSCULAR DYSTROPHY 4 WITH VARIABLE FEATURES. Identifiers: Orphanet 261, MedGen C2751807, MONDO:0013071, OMIM 612998.

Allele frequency attached by ClinVar (database versions not stated): gnomAD exomes below 0.00001; TOPMed below 0.00001; gnomAD 0.00001.
gnomAD v4.1: 2 of 1,614,122 alleles (0.00012%); highest among the groups gnomAD compares: Non-Finnish European, 0.00017%; no homozygotes.

Submissions (3):

Athena Diagnostics
Classification: Uncertain significance. Last evaluated: 2023-02-01. Review status: criteria provided, single submitter. Criteria: Athena Diagnostics Criteria. Collection method: clinical testing. Allele origin: unknown.
Comment: Available data are insufficient to determine the clinical significance of the variant at this time. The frequency of this variant in the general population is uninformative in assessment of its pathogenicity. Computational tools predict that this variant is not damaging.

Labcorp Genetics (formerly Invitae), Labcorp
Classification: Uncertain significance for Emery-Dreifuss muscular dystrophy 4, autosomal dominant; Autosomal recessive ataxia, Beauce type. Last evaluated: 2018-03-03. Review status: criteria provided, single submitter. Criteria: Invitae Variant Classification Sherloc (09022015). Collection method: clinical testing. Allele origin: germline.
Comment: Algorithms developed to predict the effect of missense changes on protein structure and function output the following: SIFT: "Tolerated"; PolyPhen-2: "Benign"; Align-GVGD: "Class C0". The valine amino acid residue is found in multiple mammalian species, suggesting that this missense change does not adversely affect protein function. These predictions have not been confirmed by published functional studies and their clinical significance is uncertain. In summary, the available evidence is currently insufficient to determine the role of this variant in disease. Therefore, it has been classified as a Variant of Uncertain Significance. This variant has not been reported in the literature in individuals with SYNE1-related disease. ClinVar contains an entry for this variant (Variation ID: 289352). This variant is not present in population databases (ExAC no frequency). This sequence change replaces isoleucine with valine at codon 4002 of the SYNE1 protein (p.Ile4002Val). The isoleucine residue is weakly conserved and there is a small physicochemical difference between isoleucine and valine.

Eurofins Ntd Llc (ga)
Classification: Uncertain significance. Last evaluated: 2016-07-22. Review status: criteria provided, single submitter. Criteria: EGL Classification Definitions 2015. Collection method: clinical testing. Allele origin: germline. Observed: 1 variant allele, 1 heterozygote.